The following is an entry in ClinVar:

NM_177438.3(DICER1):c.751T>C (p.Cys251Arg)

Gene: DICER1 (dicer 1, ribonuclease III; minus strand). Cytogenetic location: 14q32.13.
Variant type: single nucleotide variant.
Coding change: c.751T>C on transcript NM_177438.3 (MANE Select); coding-DNA position 751, T replaced by C.
Protein change: p.Cys251Arg; replaces cysteine 251 with arginine.
Molecular consequence: missense variant.
Genome position (GRCh38, 1-based): chr14:95,126,732, A>G on the plus strand (T>C on the coding strand, the complement: DICER1 is on the minus strand). VCF-style: chr14-95126732-A-G. GRCh37 (hg19) VCF-style: chr14-95593069-A-G.
Other names: c.751T>C, p.Cys251Arg (NM_001195573.1, NM_001271282.3, NM_001291628.2 and 1 more transcripts); short protein forms C251R.
Identifiers: ClinVar variation 543635 (VCV000543635.17), dbSNP rs1353008772, ClinGen allele CA390887913.

ClinVar aggregate classification (germline): Uncertain significance. Review status: criteria provided, multiple submitters, no conflicts (2 of 4 stars). 2 submissions from 2 submitters: Uncertain significance (2). Last evaluated 2024-08-30.

Conditions:
Hereditary cancer-predisposing syndrome. Also called: Neoplastic Syndromes, Hereditary; Tumor predisposition; Hereditary Cancer Syndrome; Hereditary neoplastic syndrome. Identifiers: Orphanet 140162, MedGen C0027672, MeSH D009386, MONDO:0015356.
DICER1-related tumor predisposition. Also called: DICER1-related pleuropulmonary blastoma cancer predisposition syndrome; DICER1 syndrome. Identifiers: Orphanet 284343, MedGen C3839822, MONDO:0100216.

Allele frequency attached by ClinVar (database versions not stated): gnomAD exomes below 0.00001; gnomAD 0.00001.
gnomAD v4.1: 4 of 1,608,968 alleles (0.00025%); highest among the groups gnomAD compares: East Asian, 0.0045%; no homozygotes.

Submissions (2):

Ambry Genetics
Classification: Uncertain significance for Hereditary cancer-predisposing syndrome. Last evaluated: 2024-08-30. Review status: criteria provided, single submitter. Criteria: Ambry Variant Classification Scheme 2023. Collection method: clinical testing. Allele origin: germline.
Comment: The p.C251R variant (also known as c.751T>C), located in coding exon 6 of the DICER1 gene, results from a T to C substitution at nucleotide position 751. The cysteine at codon 251 is replaced by arginine, an amino acid with highly dissimilar properties. This amino acid position is well conserved in available vertebrate species. In addition, this alteration is predicted to be tolerated by in silico analysis. Since supporting evidence is limited at this time, the clinical significance of this alteration remains unclear.

Labcorp Genetics (formerly Invitae), Labcorp
Classification: Uncertain significance for DICER1-related tumor predisposition. Last evaluated: 2024-01-04. Review status: criteria provided, single submitter. Criteria: Invitae Variant Classification Sherloc (09022015). Collection method: clinical testing. Allele origin: germline.
Comment: This sequence change replaces cysteine, which is neutral and slightly polar, with arginine, which is basic and polar, at codon 251 of the DICER1 protein (p.Cys251Arg). This variant is not present in population databases (gnomAD no frequency). This variant has not been reported in the literature in individuals affected with DICER1-related conditions. ClinVar contains an entry for this variant (Variation ID: 543635). Advanced modeling of protein sequence and biophysical properties (such as structural, functional, and spatial information, amino acid conservation, physicochemical variation, residue mobility, and thermodynamic stability) performed at Invitae indicates that this missense variant is not expected to disrupt DICER1 protein function with a negative predictive value of 80%. In summary, the available evidence is currently insufficient to determine the role of this variant in disease. Therefore, it has been classified as a Variant of Uncertain Significance.